The following is an entry in ClinVar:

NM_001958.5(EEF1A2):c.288C>T (p.Arg96=)

Gene: EEF1A2 (eukaryotic translation elongation factor 1 alpha 2; minus strand). Cytogenetic location: 20q13.33.
Variant type: single nucleotide variant.
Coding change: c.288C>T on transcript NM_001958.5 (MANE Select); coding-DNA position 288, C replaced by T.
Protein change: p.Arg96=; no amino-acid change (arginine 96 retained).
Molecular consequence: synonymous variant.
Genome position (GRCh38, 1-based): chr20:63,495,892, G>A on the plus strand (C>T on the coding strand, the complement: EEF1A2 is on the minus strand). VCF-style: chr20-63495892-G-A. GRCh37 (hg19) VCF-style: chr20-62127245-G-A.
Identifiers: ClinVar variation 843084 (VCV000843084.36), dbSNP rs368043002, ClinGen allele CA9959150.

ClinVar aggregate classification (germline): Conflicting classifications of pathogenicity. Review status: criteria provided, conflicting classifications (1 of 4 stars). 4 submissions from 4 submitters: Uncertain significance (1); Likely benign (3). Last evaluated 2026-07-01.

Conditions:
Developmental and epileptic encephalopathy, 33 (DEE33). Also called: Epileptic encephalopathy, early infantile, 33. Identifiers: Orphanet 442835, MedGen C4225337, MONDO:0014625, OMIM 616409.

Allele frequency attached by ClinVar (database versions not stated): ExAC 0.00002; gnomAD 0.00003; TOPMed 0.00005; ESP Exome Variant Server 0.00008.
gnomAD v4.1: 22 of 1,613,176 alleles (0.0014%); highest among the groups gnomAD compares: East Asian, 0.02%; no homozygotes.

Submissions (4):

CeGaT Center for Human Genetics Tuebingen
Classification: Likely benign. Last evaluated: 2026-07-01. Review status: criteria provided, single submitter. Criteria: CeGaT Center For Human Genetics Tuebingen Variant Classification Criteria Version 2. Collection method: clinical testing. Allele origin: germline. Affected: yes. Observed: 2 variant alleles.
Comment: EEF1A2: BP4, BP7

Blueprint Genetics
Classification: Likely benign. Last evaluated: 2024-01-05. Review status: criteria provided, single submitter. Criteria: ACMG Guidelines, 2015. Collection method: clinical testing. Allele origin: germline.

Labcorp Genetics (formerly Invitae), Labcorp
Classification: Likely benign for Developmental and epileptic encephalopathy, 33. Last evaluated: 2023-10-17. Review status: criteria provided, single submitter. Criteria: Invitae Variant Classification Sherloc (09022015). Collection method: clinical testing. Allele origin: germline.

Breakthrough Genomics
Classification: Uncertain significance. Review status: criteria provided, single submitter. Criteria: ACMG Guidelines, 2015. Collection method: not provided. Allele origin: germline. Inheritance: Autosomal dominant inheritance. Affected: yes.